The following is an entry in ClinVar:

ClinVar aggregate classification (germline): Uncertain significance. Review status: criteria provided, multiple submitters, no conflicts (2 of 4 stars). 2 submissions from 2 submitters: Uncertain significance (2). Last evaluated 2025-03-01.

Allele frequency attached by ClinVar (database versions not stated): ExAC 0.00002; TOPMed 0.00003; gnomAD 0.00004.

Submissions (2):

Ambry Genetics
Classification: Uncertain significance. Last evaluated: 2025-03-01. Review status: criteria provided, single submitter. Criteria: Ambry Variant Classification Scheme 2023. Collection method: clinical testing. Allele origin: germline.

Labcorp Genetics (formerly Invitae), Labcorp
Classification: Uncertain significance. Last evaluated: 2024-03-29. Review status: criteria provided, single submitter. Criteria: Invitae Variant Classification Sherloc (09022015). Collection method: clinical testing. Allele origin: germline.
Comment: This sequence change replaces asparagine, which is neutral and polar, with serine, which is neutral and polar, at codon 913 of the ACACA protein (p.Asn913Ser). This variant is present in population databases (rs775288607, gnomAD 0.01%). This variant has not been reported in the literature in individuals affected with ACACA-related conditions. ClinVar contains an entry for this variant (Variation ID: 1914510). An algorithm developed to predict the effect of missense changes on protein structure and function (PolyPhen-2) suggests that this variant is likely to be tolerated. In summary, the available evidence is currently insufficient to determine the role of this variant in disease. Therefore, it has been classified as a Variant of Uncertain Significance.

NM_198834.3(ACACA):c.2849A>G (p.Asn950Ser)

Gene: ACACA (acetyl-CoA carboxylase alpha; minus strand). Cytogenetic location: 17q12.
Variant type: single nucleotide variant.
Coding change: c.2849A>G on transcript NM_198834.3 (MANE Select); coding-DNA position 2849, A replaced by G.
Protein change: p.Asn950Ser; replaces asparagine 950 with serine.
Molecular consequence: missense variant.
Genome position (GRCh38, 1-based): chr17:37,243,453, T>C on the plus strand (A>G on the coding strand, the complement: ACACA is on the minus strand). VCF-style: chr17-37243453-T-C. GRCh37 (hg19) VCF-style: chr17-35600369-T-C.
Other names: c.2738A>G, p.Asn913Ser (NM_198836.3, NM_198839.3); c.2564A>G, p.Asn855Ser (NM_198837.2); c.2504A>G, p.Asn835Ser (NM_198838.2); c.2738A>G (NM_198839.1); short protein forms N835S, N855S, N950S, N913S.
Identifiers: ClinVar variation 1914510 (VCV001914510.6), dbSNP rs775288607, ClinGen allele CA8515489.